The following is an entry in ClinVar:

ClinVar aggregate classification (germline): Uncertain significance (1 of 4 stars; one submission).

Submission:

Labcorp Genetics (formerly Invitae), Labcorp
Classification: Uncertain significance. Last evaluated: 2024-02-17. Review status: criteria provided, single submitter. Criteria: Invitae Variant Classification Sherloc (09022015). Collection method: clinical testing. Allele origin: germline.
Comment: This sequence change replaces arginine, which is basic and polar, with lysine, which is basic and polar, at codon 563 of the TCIRG1 protein (p.Arg563Lys). This variant is not present in population databases (gnomAD no frequency). This variant has not been reported in the literature in individuals affected with TCIRG1-related conditions. ClinVar contains an entry for this variant (Variation ID: 1970204). Advanced modeling of protein sequence and biophysical properties (such as structural, functional, and spatial information, amino acid conservation, physicochemical variation, residue mobility, and thermodynamic stability) performed at Invitae indicates that this missense variant is not expected to disrupt TCIRG1 protein function with a negative predictive value of 80%. In summary, the available evidence is currently insufficient to determine the role of this variant in disease. Therefore, it has been classified as a Variant of Uncertain Significance.

NM_006019.4(TCIRG1):c.1688G>A (p.Arg563Lys)

Gene: TCIRG1 (T cell immune regulator 1, ATPase H+ transporting V0 subunit a3; plus strand). Cytogenetic location: 11q13.2.
Variant type: single nucleotide variant.
Coding change: c.1688G>A on transcript NM_006019.4 (MANE Select); coding-DNA position 1688, G replaced by A.
Protein change: p.Arg563Lys; replaces arginine 563 with lysine.
Molecular consequence: missense variant.
Genome position (GRCh38, 1-based): chr11:68,049,095, G>A. VCF-style: chr11-68049095-G-A. GRCh37 (hg19) VCF-style: chr11-67816562-G-A.
Other names: c.794G>A, p.Arg265Lys (NM_001351059.2); c.1040G>A, p.Arg347Lys (NM_006053.4); short protein forms R563K, R265K, R347K.
Identifiers: ClinVar variation 1970204 (VCV001970204.5), dbSNP rs2495657732, ClinGen allele CA381585940.